The following is an entry in ClinVar:

ClinVar aggregate classification (germline): Uncertain significance (1 of 4 stars; one submission).

Conditions:
Familial hypobetalipoproteinemia 1. Also called: APOB-Related Familial Hypobetalipoproteinemia; Hypobetalipoproteinemia, normotriglyceridemic; Acanthocytosis with hypobetalipoproteinemia. Identifiers: MedGen C4551990, MONDO:0014252, OMIM 615558.
Hypercholesterolemia, autosomal dominant, type B (FHCL2). Also called: Hyperlipoproteinemia Type IIb; Familial hypercholesterolemia 2; Familial Hypercholesterolemia Type B; APOLIPOPROTEIN B-100, FAMILIAL DEFECTIVE; APOLIPOPROTEIN B-100, FAMILIAL LIGAND-DEFECTIVE; HYPERCHOLESTEROLEMIA, FAMILIAL, DUE TO LIGAND-DEFECTIVE APOLIPOPROTEIN B. Identifiers: MedGen C1704417, MONDO:0007751, OMIM 144010.

Submission:

Labcorp Genetics (formerly Invitae), Labcorp
Classification: Uncertain significance for Familial hypobetalipoproteinemia 1; Hypercholesterolemia, autosomal dominant, type B. Last evaluated: 2022-08-22. Review status: criteria provided, single submitter. Criteria: Invitae Variant Classification Sherloc (09022015). Collection method: clinical testing. Allele origin: germline.
Comment: This sequence change replaces glutamic acid, which is acidic and polar, with aspartic acid, which is acidic and polar, at codon 101 of the APOB protein (p.Glu101Asp). This variant is not present in population databases (gnomAD no frequency). This variant has not been reported in the literature in individuals affected with APOB-related conditions. Algorithms developed to predict the effect of missense changes on protein structure and function are either unavailable or do not agree on the potential impact of this missense change (SIFT: "Deleterious"; PolyPhen-2: "Possibly Damaging"; Align-GVGD: "Class C0"). In summary, the available evidence is currently insufficient to determine the role of this variant in disease. Therefore, it has been classified as a Variant of Uncertain Significance.

NM_000384.3(APOB):c.303G>C (p.Glu101Asp)

Gene: APOB (apolipoprotein B; minus strand). Cytogenetic location: 2p24.1.
Variant type: single nucleotide variant.
Coding change: c.303G>C on transcript NM_000384.3 (MANE Select); coding-DNA position 303, G replaced by C.
Protein change: p.Glu101Asp; replaces glutamic acid 101 with aspartic acid.
Molecular consequence: missense variant.
Genome position (GRCh38, 1-based): chr2:21,041,018, C>G on the plus strand (G>C on the coding strand, the complement: APOB is on the minus strand). VCF-style: chr2-21041018-C-G. GRCh37 (hg19) VCF-style: chr2-21263890-C-G.
Other names: short protein forms E101D.
Identifiers: ClinVar variation 1717628 (VCV001717628.3), dbSNP rs2465455223, ClinGen allele CA345964074.
Genomic context (GRCh38, chr2:21,041,018, plus strand): 5'-CTCCTCAGAGTTCTTGGTTTTCTTCAGCAAGGCTTTGCCCTCAGGGTTGAAGCCATACAC[C>G]TCTTTCAGGGTGCACTGGCTGGTCTTCAGGATGAAGCTGCAGAGCTGGGGAACCTCCAGC-3'
Protein context (NP_000375.3, residues 91-111): ILKTSQCTLK[Glu101Asp]VYGFNPEGKA